The following is an entry in ClinVar:

NM_176787.5(PIGN):c.1246G>A (p.Glu416Lys)

Gene: PIGN (phosphatidylinositol glycan anchor biosynthesis class N; minus strand). Cytogenetic location: 18q21.33.
Variant type: single nucleotide variant.
Coding change: c.1246G>A on transcript NM_176787.5 (MANE Select); coding-DNA position 1246, G replaced by A.
Protein change: p.Glu416Lys; replaces glutamic acid 416 with lysine.
Molecular consequence: missense variant.
Genome position (GRCh38, 1-based): chr18:62,114,566, C>T on the plus strand (G>A on the coding strand, the complement: PIGN is on the minus strand). VCF-style: chr18-62114566-C-T. GRCh37 (hg19) VCF-style: chr18-59781799-C-T.
Other names: c.1246G>A, p.Glu416Lys (NM_012327.6); short protein forms E416K.
Identifiers: ClinVar variation 1759657 (VCV001759657.2), dbSNP rs2513154078, ClinGen allele CA402606069.

ClinVar aggregate classification (germline): Uncertain significance (1 of 4 stars; one submission).

Conditions:
Inborn genetic diseases. Identifiers: MedGen C0950123, MeSH D030342.

Submission:

Ambry Genetics
Classification: Uncertain significance for Inborn genetic diseases. Last evaluated: 2018-01-18. Review status: criteria provided, single submitter. Criteria: Ambry Variant Classification Scheme 2023. Collection method: clinical testing. Allele origin: germline.
Comment: The p.E416K variant (also known as c.1246G>A), located in coding exon 12 of the PIGN gene, results from a G to A substitution at nucleotide position 1246. The glutamic acid at codon 416 is replaced by lysine, an amino acid with similar properties. This amino acid position is well conserved in available vertebrate species. In addition, this alteration is predicted to be tolerated by in silico analysis. Since supporting evidence is limited at this time, the clinical significance of this alteration remains unclear.